The following is an entry in ClinVar:

ClinVar aggregate classification (germline): Uncertain significance (1 of 4 stars; one submission).

Conditions:
Inborn genetic diseases. Identifiers: MedGen C0950123, MeSH D030342.

Allele frequency attached by ClinVar (database versions not stated): TOPMed 0.00002; gnomAD 0.00003; gnomAD exomes 0.00013; 1000 Genomes Project 30x 0.00047; 1000 Genomes Project 0.00060; ExAC 0.00067.
gnomAD v4.1: 193 of 1,551,710 alleles (0.012%); highest among the groups gnomAD compares: South Asian, 0.21%; 2 homozygotes.

Submission:

Ambry Genetics
Classification: Uncertain significance for Inborn genetic diseases. Last evaluated: 2020-10-30. Review status: criteria provided, single submitter. Criteria: Ambry Variant Classification Scheme 2023. Collection method: clinical testing. Allele origin: germline.
Comment: The p.I223V variant (also known as c.667A>G), located in coding exon 5 of the DST gene, results from an A to G substitution at nucleotide position 667. The isoleucine at codon 223 is replaced by valine, an amino acid with highly similar properties. This amino acid position is highly conserved in available vertebrate species. In addition, the in silico prediction for this alteration is inconclusive. Since supporting evidence is limited at this time, the clinical significance of this alteration remains unclear.

NM_001374736.1(DST):c.667A>G (p.Ile223Val)

Gene: DST (dystonin; minus strand). Cytogenetic location: 6p12.1.
Variant type: single nucleotide variant.
Coding change: c.667A>G on transcript NM_001374736.1 (MANE Select); coding-DNA position 667, A replaced by G.
Protein change: p.Ile223Val; replaces isoleucine 223 with valine.
Molecular consequence: missense variant.
Genome position (GRCh38, 1-based): chr6:56,735,248, T>C on the plus strand (A>G on the coding strand, the complement: DST is on the minus strand). VCF-style: chr6-56735248-T-C. GRCh37 (hg19) VCF-style: chr6-56600046-T-C.
Other names: c.667A>G, p.Ile223Val (NM_001144769.5, NM_001374722.1); c.253A>G, p.Ile85Val (NM_001144770.2); c.133A>G, p.Ile45Val (NM_001374729.1, NM_001374730.1, NM_001386100.1 and 1 more transcripts); c.694A>G, p.Ile232Val (NM_001374734.1); short protein forms I232V, I223V, I45V, I85V.
Identifiers: ClinVar variation 1754834 (VCV001754834.2), dbSNP rs546456904, ClinGen allele CA3871878.